The following is an entry in ClinVar:

NM_198963.3(DHX57):c.475C>T (p.Pro159Ser)

Gene: DHX57 (DExH-box helicase 57; minus strand). Cytogenetic location: 2p22.1.
Variant type: single nucleotide variant.
Coding change: c.475C>T on transcript NM_198963.3 (MANE Select); coding-DNA position 475, C replaced by T.
Protein change: p.Pro159Ser; replaces proline 159 with serine.
Molecular consequence: missense variant.
Genome position (GRCh38, 1-based): chr2:38,862,242, G>A on the plus strand (C>T on the coding strand, the complement: DHX57 is on the minus strand). VCF-style: chr2-38862242-G-A. GRCh37 (hg19) VCF-style: chr2-39089384-G-A.
Other names: c.169C>T, p.Pro57Ser (NM_001329963.1); short protein forms P159S, P57S.
Identifiers: ClinVar variation 3054943 (VCV003054943.2), dbSNP rs771662502, ClinGen allele CA1623570.

ClinVar aggregate classification (germline): Likely benign (0 of 4 stars; one submission).

Conditions:
DHX57-related disorder. Also called: DHX57-related condition.

Allele frequency attached by ClinVar (database versions not stated): TOPMed 0.00007.
gnomAD v4.1: 86 of 1,613,804 alleles (0.0053%); highest among the groups gnomAD compares: Admixed American, 0.14%; no homozygotes.

Submission:

PreventionGenetics, part of Exact Sciences
Classification: Likely benign for DHX57-related condition. Last evaluated: 2022-05-23. Review status: no assertion criteria provided. Collection method: clinical testing. Allele origin: germline.
Comment: This variant is classified as likely benign based on ACMG/AMP sequence variant interpretation guidelines (Richards et al. 2015 PMID: 25741868, with internal and published modifications).